The following is an entry in ClinVar:

ClinVar aggregate classification (germline): Pathogenic/Likely pathogenic. Review status: criteria provided, multiple submitters, no conflicts (2 of 4 stars). 3 submissions from 3 submitters: Pathogenic (1); Likely pathogenic (2). Last evaluated 2025-11-06.

Conditions:
Propionic acidemia (PROP). Also called: GLYCINEMIA, KETOTIC; HYPERGLYCINEMIA WITH KETOACIDOSIS AND LEUKOPENIA; KETOTIC HYPERGLYCINEMIA. Identifiers: Orphanet 35, MedGen C0268579, MONDO:0011628, OMIM 606054, HP:0003571.

Submissions (3):

Myriad Genetics, Inc.
Classification: Pathogenic for Propionic acidemia. Last evaluated: 2025-11-06. Review status: criteria provided, single submitter. Criteria: Myriad Autosomal Dominant, Autosomal Recessive and X-Linked Classification Criteria (2023). Collection method: clinical testing. Allele origin: unknown.
Comment: NM_000282.3(PCCA):c.1987dupC(R663Pfs*29) is a frameshift variant classified as pathogenic in the context of PCCA-related propionic acidemia. R663Pfs*29 has not been observed in cases with relevant disease. Relevant functional assessments of this variant are not available in the literature. R663Pfs*29 has not been observed in referenced population frequency databases. In summary, NM_000282.3(PCCA):c.1987dupC(R663Pfs*29) is a frameshift variant in a gene where loss of function is a known mechanism of disease and is predicted to disrupt protein function. Please note: this variant was assessed in the context of healthy population screening.

Natera, Inc.
Classification: Likely pathogenic for Propionic acidemia. Last evaluated: 2025-09-23. Review status: criteria provided, single submitter. Criteria: Natera Variant Classification Schema (03/2026). Collection method: clinical testing. Allele origin: germline.
Comment: The c.1987dupC variant in PCCA is a frameshift variant predicted to shift the reading frame beginning at codon 663 and leads to a stop codon 29 codons downstream. This variant is expected to result in nonsense mediated decay, truncation, or a dysfunctional protein product. This variant is rare in the general population with a frequency below the threshold expected for the associated phenotype(s). Given the available evidence, this variant is classified as Likely Pathogenic.

Baylor Genetics
Classification: Likely pathogenic for Propionic acidemia. Last evaluated: 2023-01-15. Review status: criteria provided, single submitter. Criteria: ACMG Guidelines, 2015. Collection method: clinical testing. Allele origin: unknown.

NM_000282.4(PCCA):c.1987dup (p.Arg663fs)

Gene: PCCA (propionyl-CoA carboxylase subunit alpha; plus strand). Cytogenetic location: 13q32.3.
Variant type: Duplication.
Coding change: c.1987dup on transcript NM_000282.4 (MANE Select); coding-DNA position 1987, one base duplicated (C; older notation c.1987dupC).
Protein change: p.Arg663fs; shifts the reading frame from arginine 663.
Molecular consequence: frameshift variant. On other transcripts: intron variant (2), non-coding transcript variant (4).
Genome position (GRCh38, 1-based): chr13:100,515,514, C duplicated. VCF-style (leftmost placement, unchanged base first): chr13-100515513-G-GC. GRCh37 (hg19) VCF-style: chr13-101167767-G-GC.
Other names: c.1900-12161dup (NM_001178004.2); c.1822-12161dup (NM_001352607.2); c.1909dup, p.Arg637fs (NM_001127692.3); c.1933dup, p.Arg645fs (NM_001352605.2); c.1843dup, p.Arg615fs (NM_001352606.2); c.1765dup, p.Arg589fs (NM_001352608.2); c.1042dup, p.Arg348fs (NM_001352610.2); c.988dup, p.Arg330fs (NM_001352611.2); and 2 more; short protein forms R300fs, R330fs, R348fs, R589fs, R615fs, R637fs, R645fs, R663fs.
Identifiers: ClinVar variation 2677505 (VCV002677505.3), dbSNP rs2549049326, ClinGen allele CA2695199779.
Genomic context (GRCh38, chr13:100,515,513, plus strand): 5'-TGCCGCAGAATTGAACAAATTTATGCTGGAAAAAGTGACTGAGGACACAAGCAGTGTTCT[G>GC]CGTTCCCCGATGCCCGGAGTGGTGGTGGCCGTCTCTGTCAAGCCTGGAGACGCGGTAAGG-3'